The following is an entry in ClinVar:

ClinVar aggregate classification (germline): Pathogenic/Likely pathogenic. Review status: criteria provided, multiple submitters, no conflicts (2 of 4 stars). 4 submissions from 4 submitters: Pathogenic (2); Likely pathogenic (2). Last evaluated 2023-02-13.

Conditions:
Pleuropulmonary blastoma (PPB). Identifiers: Orphanet 64742, MedGen C1266144, MONDO:0011014, OMIM 601200, HP:0100528.
Rhabdomyosarcoma, embryonal, 2 (RMSE2). Identifiers: MedGen C1867234, MONDO:0859046, OMIM 180295.
Global developmental delay - lung cysts - overgrowth - Wilms tumor syndrome. Also called: GLOBAL DEVELOPMENTAL DELAY, LUNG CYSTS, OVERGROWTH, AND WILMS TUMOR; GLOW Syndrome. Identifiers: Orphanet 404476, MedGen C4748924, MONDO:0018445, OMIM 618272.
Euthyroid goiter (MNG1). Also called: Goiter, multinodular 1, with or without Sertoli-Leydig cell tumors; SIMPLE GOITER; GOITER, NONTOXIC, WITH INTRATHYROIDAL CALCIFICATION; MULTINODULAR GOITER, ADOLESCENT. Identifiers: Orphanet 276399, MedGen C0302859, MONDO:0007681, OMIM 138800, HP:0009798.
DICER1-related tumor predisposition. Also called: DICER1 syndrome; DICER1-related pleuropulmonary blastoma cancer predisposition syndrome. Identifiers: Orphanet 284343, MedGen C3839822, MONDO:0100216.

Submissions (4):

Labcorp Genetics (formerly Invitae), Labcorp
Classification: Pathogenic for DICER1-related tumor predisposition. Last evaluated: 2023-02-13. Review status: criteria provided, single submitter. Criteria: Invitae Variant Classification Sherloc (09022015). Collection method: clinical testing. Allele origin: germline.
Comment: This sequence change creates a premature translational stop signal (p.Leu1469Phefs*7) in the DICER1 gene. It is expected to result in an absent or disrupted protein product. Loss-of-function variants in DICER1 are known to be pathogenic (PMID: 19556464, 21266384). This variant is not present in population databases (gnomAD no frequency). This variant has not been reported in the literature in individuals affected with DICER1-related conditions. ClinVar contains an entry for this variant (Variation ID: 422631). For these reasons, this variant has been classified as Pathogenic.

GeneDx
Classification: Pathogenic. Last evaluated: 2016-11-01. Review status: criteria provided, single submitter. Criteria: GeneDx Variant Classification (06012015). Collection method: clinical testing. Allele origin: germline. Affected: yes.
Comment: This deletion of two nucleotides in DICER1 is denoted c.4405_4406delCT at the cDNA level and p.Leu1469PhefsX7 (L1469FfsX7) at the protein level. The normal sequence, with the bases that are deleted in brackets, is CTCT[delCT]TTCT. The deletion causes a frameshift which changes a Leucine to a Phenylalanine at codon 1469, and creates a premature stop codon at position 7 of the new reading frame. Although this variant has not, to our knowledge, been reported in the literature, it is predicted to cause loss of normal protein function through either protein truncation or nonsense-mediated mRNA decay. Based on the currently available information, we consider this deletion to be a pathogenic variant.

PreventionGenetics, part of Exact Sciences
Classification: Likely pathogenic. Last evaluated: 2016-04-26. Review status: criteria provided, single submitter. Criteria: ACMG Guidelines, 2015. Collection method: clinical testing. Allele origin: germline.

Juno Genomics, Hangzhou Juno Genomics, Inc
Classification: Likely pathogenic for Global developmental delay - lung cysts - overgrowth - Wilms tumor syndrome; Euthyroid goiter; Pleuropulmonary blastoma; Rhabdomyosarcoma, embryonal, 2. Review status: criteria provided, single submitter. Criteria: ACMG Guidelines, 2015. Collection method: clinical testing. Allele origin: germline.
Comment: Absent from controls (or at extremely low frequency if recessive) in Genome Aggregation Database.;Null variant in a gene where loss of function (LOF) is a known mechanism of disease.

Literature cited by the submitters: PubMed 19556464 (cited by Labcorp Genetics (formerly Invitae), Labcorp); PubMed 21266384 (cited by Labcorp Genetics (formerly Invitae), Labcorp).

NM_177438.3(DICER1):c.4405_4406del (p.Leu1469fs)

Gene: DICER1 (dicer 1, ribonuclease III; minus strand). Cytogenetic location: 14q32.13.
Variant type: Microsatellite.
Coding change: c.4405_4406del on transcript NM_177438.3 (MANE Select); coding-DNA positions 4405 to 4406, 2 bases deleted (CT; older notation c.4405_4406delCT).
Protein change: p.Leu1469fs; shifts the reading frame from leucine 1469.
Molecular consequence: frameshift variant.
Genome position (GRCh38, 1-based): chr14:95,096,514-95,096,515, AG deleted on the plus strand (CT on the coding strand, the reverse complement: DICER1 is on the minus strand); deleting any 2 consecutive bases within chr14:95,096,514-95,096,520 gives the same sequence; the c. name uses the placement nearest the transcript's 3' end. VCF-style (leftmost placement, unchanged base first): chr14-95096513-AAG-A. GRCh37 (hg19) VCF-style: chr14-95562850-AAG-A.
Other names: c.4405_4406delCT (NM_177438.2); c.4405_4406del, p.Leu1469fs (NM_001195573.1, NM_001271282.3, NM_001291628.2 and 1 more transcripts); short protein forms L1469fs.
Identifiers: ClinVar variation 422631 (VCV000422631.15), dbSNP rs1064795904, ClinGen allele CA16619898.